The following is an entry in ClinVar:

ClinVar aggregate classification (germline): Benign/Likely benign. Review status: criteria provided, multiple submitters, no conflicts (2 of 4 stars). 6 submissions from 5 submitters: Benign (4); Likely benign (2). Last evaluated 2026-02-04.

Conditions:
Bietti crystalline corneoretinal dystrophy (BCD). Also called: Bietti Crystalline Dystrophy; BIETTI TAPETORETINAL DEGENERATION WITH MARGINAL CORNEAL DYSTROPHY. Identifiers: Orphanet 41751, MedGen C1859486, MONDO:0008865, OMIM 210370.
Corneal dystrophy. Identifiers: Orphanet 34533, MedGen C0010036, MONDO:0018102, HP:0001131.

Allele frequency attached by ClinVar (database versions not stated): 1000 Genomes Project 0.02256; 1000 Genomes Project 30x 0.02358; gnomAD 0.04934 and 0.05079; TOPMed 0.05206; ExAC 0.05246; gnomAD exomes 0.05379 and 0.06661; ESP Exome Variant Server 0.05751.
gnomAD v4.1: 104,278 of 1,598,734 alleles (6.5%); highest among the groups gnomAD compares: Middle Eastern, 10%; 3,955 homozygotes.

Submissions (6):

Labcorp Genetics (formerly Invitae), Labcorp
Classification: Benign. Last evaluated: 2026-02-04. Review status: criteria provided, single submitter. Criteria: Invitae Variant Classification Sherloc (09022015). Collection method: clinical testing. Allele origin: germline.

GeneDx
Classification: Benign. Last evaluated: 2021-05-11. Review status: criteria provided, single submitter. Criteria: GeneDx Variant Classification Process June 2021. Collection method: clinical testing. Allele origin: germline. Affected: yes.
Comment: This variant is associated with the following publications: (PMID: 24480711, 27884173)

Eurofins Ntd Llc (ga)
Classification: Benign. Last evaluated: 2018-03-12. Review status: criteria provided, single submitter. Criteria: EGL ClinVar v180209 classification definitions. Collection method: clinical testing. Allele origin: germline. Observed: 1 variant allele, 1 heterozygote.

Illumina Laboratory Services, Illumina
Classification: Likely benign for Corneal dystrophy. Last evaluated: 2018-01-12. Review status: criteria provided, single submitter. Criteria: ICSL Variant Classification Criteria 13 December 2019. Collection method: clinical testing. Allele origin: germline.
Comment: This variant was observed in the ICSL laboratory as part of a predisposition screen in an ostensibly healthy population. It had not been previously curated by ICSL or reported in the Human Gene Mutation Database (HGMD: prior to June 1st, 2018), and was therefore a candidate for classification through an automated scoring system. Utilizing variant allele frequency, disease prevalence and penetrance estimates, and inheritance mode, an automated score was calculated to assess if this variant is too frequent to cause the disease. Based on the score and internal cut-off values, a variant classified as likely benign is not then subjected to further curation. The score for this variant resulted in a classification of likely benign for this disease.

Illumina Laboratory Services, Illumina
Classification: Benign for Bietti crystalline corneoretinal dystrophy. Last evaluated: 2018-01-12. Review status: criteria provided, single submitter. Criteria: ICSL Variant Classification Criteria 13 December 2019. Collection method: clinical testing. Allele origin: germline.
Comment: This variant was observed in the ICSL laboratory as part of a predisposition screen in an ostensibly healthy population. It had not been previously curated by ICSL or reported in the Human Gene Mutation Database (HGMD: prior to June 1st, 2018), and was therefore a candidate for classification through an automated scoring system. Utilizing variant allele frequency, disease prevalence and penetrance estimates, and inheritance mode, an automated score was calculated to assess if this variant is too frequent to cause the disease. Based on the score and internal cut-off values, a variant classified as benign is not then subjected to further curation. The score for this variant resulted in a classification of benign for this disease.

Breakthrough Genomics
Classification: Likely benign. Review status: criteria provided, single submitter. Criteria: ACMG Guidelines, 2015. Collection method: not provided. Allele origin: germline. Inheritance: Autosomal recessive inheritance. Affected: yes.

NM_207352.4(CYP4V2):c.327+11G>C

Gene: CYP4V2 (cytochrome P450 family 4 subfamily V member 2; plus strand). Cytogenetic location: 4q35.1.
Variant type: single nucleotide variant.
Coding change: c.327+11G>C on transcript NM_207352.4 (MANE Select); 11 bases into the intron after coding-DNA position 327, G replaced by C.
Molecular consequence: intron variant.
Genome position (GRCh38, 1-based): chr4:186,194,623, G>C. VCF-style: chr4-186194623-G-C. GRCh37 (hg19) VCF-style: chr4-187115777-G-C.
Identifiers: ClinVar variation 348301 (VCV000348301.19), dbSNP rs62350517, ClinGen allele CA3162503.